The following is an entry in ClinVar:

ClinVar aggregate classification (germline): Conflicting classifications of pathogenicity. Review status: criteria provided, conflicting classifications (1 of 4 stars). 3 submissions from 3 submitters: Uncertain significance (2); Likely benign (1). Last evaluated 2026-08-18.

Conditions:
PRPF8-related disorder. Also called: PRPF8-related condition.

Allele frequency attached by ClinVar (database versions not stated): ExAC 0.00001; gnomAD 0.00001 and 0.00003; TOPMed 0.00001; gnomAD exomes 0.00002.

Submissions (3):

PreventionGenetics, part of Exact Sciences
Classification: Uncertain significance for PRPF8-related condition. Last evaluated: 2026-08-18. Review status: criteria provided, single submitter. Criteria: ACMG Guidelines, 2015. Collection method: clinical testing. Allele origin: germline.
Comment: The PRPF8 c.2939G>A variant is predicted to result in the amino acid substitution p.Arg980His. To our knowledge, this variant has not been reported in the literature. This variant is reported in 0.0040% of alleles in individuals of African descent in gnomAD. At this time, the clinical significance of this variant is uncertain due to the absence of conclusive functional and genetic evidence.

Labcorp Genetics (formerly Invitae), Labcorp
Classification: Uncertain significance. Last evaluated: 2025-12-02. Review status: criteria provided, single submitter. Criteria: Invitae Variant Classification Sherloc (09022015). Collection method: clinical testing. Allele origin: germline.
Comment: This sequence change replaces arginine, which is basic and polar, with histidine, which is basic and polar, at codon 980 of the PRPF8 protein (p.Arg980His). This variant is present in population databases (rs755497774, gnomAD 0.004%). This variant has not been reported in the literature in individuals affected with PRPF8-related conditions. ClinVar contains an entry for this variant (Variation ID: 957077). Invitae Evidence Modeling of protein sequence and biophysical properties (such as structural, functional, and spatial information, amino acid conservation, physicochemical variation, residue mobility, and thermodynamic stability) indicates that this missense variant is not expected to disrupt PRPF8 protein function with a negative predictive value of 80%. In summary, the available evidence is currently insufficient to determine the role of this variant in disease. Therefore, it has been classified as a Variant of Uncertain Significance.

Blueprint Genetics
Classification: Likely benign. Last evaluated: 2022-05-20. Review status: criteria provided, single submitter. Criteria: ACMG Guidelines, 2015. Collection method: clinical testing. Allele origin: germline.

NM_006445.4(PRPF8):c.2939G>A (p.Arg980His)

Gene: PRPF8 (pre-mRNA processing factor 8; minus strand). Cytogenetic location: 17p13.3.
Variant type: single nucleotide variant.
Coding change: c.2939G>A on transcript NM_006445.4 (MANE Select); coding-DNA position 2939, G replaced by A.
Protein change: p.Arg980His; replaces arginine 980 with histidine.
Molecular consequence: missense variant.
Genome position (GRCh38, 1-based): chr17:1,675,273, C>T on the plus strand (G>A on the coding strand, the complement: PRPF8 is on the minus strand). VCF-style: chr17-1675273-C-T. GRCh37 (hg19) VCF-style: chr17-1578567-C-T.
Other names: short protein forms R980H.
Identifiers: ClinVar variation 957077 (VCV000957077.9), dbSNP rs755497774, ClinGen allele CA8272008.